The following is an entry in ClinVar:

ClinVar aggregate classification (germline): Pathogenic/Likely pathogenic. Review status: criteria provided, multiple submitters, no conflicts (2 of 4 stars). 5 submissions from 5 submitters: Pathogenic (2); Likely pathogenic (2). 1 of the submissions does not count toward it. Last evaluated 2026-02-01.

Conditions:
Congenital factor VII deficiency. Identifiers: Orphanet 327, MedGen C0272320, MONDO:0009211, OMIM 227500.
Factor VII deficiency. Also called: F7 DEFICIENCY; HYPOPROCONVERTINEMIA; Factor 7 deficiency. Identifiers: MedGen C0015503, MeSH D005168, MONDO:0002244.

Allele frequency attached by ClinVar (database versions not stated): TOPMed 0.00001.

Submissions (5):

CeGaT Center for Human Genetics Tuebingen
Classification: Likely pathogenic. Last evaluated: 2026-02-01. Review status: criteria provided, single submitter. Criteria: CeGaT Center For Human Genetics Tuebingen Variant Classification Criteria Version 2. Collection method: clinical testing. Allele origin: germline. Affected: yes. Observed: 1 variant allele.
Comment: F7: PM3:Strong, PM2, PP4, PS3:Supporting

Laboratory of Genetics, Children's Clinical University Hospital Latvia
Classification: Pathogenic. Last evaluated: 2025-02-16. Review status: criteria provided, single submitter. Criteria: ACMG Guidelines, 2015. Collection method: clinical testing. Allele origin: germline. Affected: yes.

Women's Health and Genetics/Laboratory Corporation of America, LabCorp
Classification: Pathogenic for Congenital factor VII deficiency. Last evaluated: 2024-05-13. Review status: criteria provided, single submitter. Criteria: LabCorp Variant Classification Summary - May 2015. Collection method: clinical testing. Allele origin: germline.
Comment: Variant summary: F7 c.-55C>T is located in the untranscribed region upstream of the F7 gene region. The variant was absent in 168980 control chromosomes. c.-55C>T has been reported in the literature in compound heterozygous individuals affected with Congenital factor VII deficiency (examples: Carew_2000, Pshenichnikova_2003, Giansily-Blaizot_2004, Downes_2019). It has also been reported as heterozygous in asymptomatic individuals with reduced factor VII activity (Kwon_2011, Herrmann_2008). These data indicate that the variant is likely to be associated with disease. At least one publication reports experimental evidence evaluating an impact on protein function. The most pronounced variant effect results in ~10% of normal activity in a reporter assay in HepG2 cells and reduced binding to HNF4 (Carew_2000). The following publications have been ascertained in the context of this evaluation (PMID: 11110717, 31064749, 15194538, 38202056, 18976247, 21206266, 33477601, 37761907). ClinVar contains an entry for this variant (Variation ID: 626945). Based on the evidence outlined above, the variant was classified as pathogenic.

NIHR Bioresource Rare Diseases, University of Cambridge
Classification: Likely pathogenic for Congenital factor VII deficiency. Last evaluated: 2019-02-01. Review status: criteria provided, single submitter. Criteria: ACMG Guidelines, 2015. Collection method: research. Allele origin: unknown. Affected: yes. Observed: 1 compound heterozygote. Study: ThromboGenomics.

OMIM
Classification: Pathogenic for FACTOR VII DEFICIENCY. Last evaluated: 2000-12-15. Review status: no assertion criteria provided. Collection method: literature only. Allele origin: germline. Not counted in ClinVar's aggregate classification.

Literature cited by the submitters: PubMed 31064749 (cited by Women's Health and Genetics/Laboratory Corporation of America, LabCorp and NIHR Bioresource Rare Diseases, University of Cambridge); PubMed 33477601 (cited by Women's Health and Genetics/Laboratory Corporation of America, LabCorp); PubMed 21206266 (cited by Women's Health and Genetics/Laboratory Corporation of America, LabCorp); PubMed 18976247 (cited by Women's Health and Genetics/Laboratory Corporation of America, LabCorp); PubMed 11110717 (cited by Women's Health and Genetics/Laboratory Corporation of America, LabCorp and OMIM); PubMed 15194538 (cited by Women's Health and Genetics/Laboratory Corporation of America, LabCorp); PubMed 38202056 (cited by Women's Health and Genetics/Laboratory Corporation of America, LabCorp); PubMed 37761907 (cited by Women's Health and Genetics/Laboratory Corporation of America, LabCorp).

NM_000131.4(F7):c.-55C>T

Gene: F7 (coagulation factor VII; plus strand). Cytogenetic location: 13q34.
Variant type: single nucleotide variant.
Coding change: c.-55C>T on transcript NM_000131.4; 55 bases upstream of the start codon, C replaced by T.
Genome position (GRCh38, 1-based): chr13:113,105,787, C>T. VCF-style: chr13-113105787-C-T. GRCh37 (hg19) VCF-style: chr13-113760101-C-T.
Other names: F7, -55C-T; -55C-T.
Identifiers: ClinVar variation 626945 (VCV000626945.19), dbSNP rs1418012389, ClinGen allele CA695273252.
Genomic context (GRCh38, chr13:113,105,787, plus strand): 5'-GACGCCTGTGTCCTCCCCTCCCCCATCCCTCTGTCACCCTTGGAGGCAGAGAACTTTGCC[C>T]GTCAGTCCCATGGGGAATGTCAACAGGCAGGGGCAGCACTGCAGAGATTTCATCATGGTC-3'